The following is an entry in ClinVar:

ClinVar aggregate classification (germline): Uncertain significance. Review status: criteria provided, multiple submitters, no conflicts (2 of 4 stars). 3 submissions from 3 submitters: Uncertain significance (3). Last evaluated 2026-06-01.

Conditions:
Inborn genetic diseases. Identifiers: MedGen C0950123, MeSH D030342.
Arginine:glycine amidinotransferase deficiency (CCDS3). Also called: L-Arginine:Glycine Amidinotransferase (AGAT) Deficiency; Creatine deficiency syndrome due to AGAT deficiency; GATM deficiency; Cerebral creatine deficiency syndrome 3; L-Arginine:Glycine Amidinotransferase Deficiency; AGAT deficiency. Identifiers: Orphanet 35704, MedGen C2675179, MONDO:0012996, OMIM 612718.

Allele frequency attached by ClinVar (database versions not stated): TOPMed 0.00002; gnomAD 0.00001.
gnomAD v4.1: 12 of 1,518,064 alleles (0.00079%); highest among the groups gnomAD compares: Non-Finnish European, 0.0011%; no homozygotes.

Submissions (3):

Ambry Genetics
Classification: Uncertain significance for Inborn genetic diseases. Last evaluated: 2026-06-01. Review status: criteria provided, single submitter. Criteria: Ambry Variant Classification Scheme 2023. Collection method: clinical testing. Allele origin: germline.
Comment: The c.60C>G (p.I20M) alteration is located in exon 1 (coding exon 1) of the GATM gene. This alteration results from a C to G substitution at nucleotide position 60, causing the isoleucine (I) at amino acid position 20 to be replaced by a methionine (M). Based on data from gnomAD, the G allele has an overall frequency of 0.001% (1/146642) total alleles studied. The highest observed frequency was 0.002% (1/59694) of European (non-Finnish) alleles. Based on insufficient or conflicting evidence, the clinical significance of this alteration remains unclear.

Labcorp Genetics (formerly Invitae), Labcorp
Classification: Uncertain significance for Arginine:glycine amidinotransferase deficiency. Last evaluated: 2023-11-17. Review status: criteria provided, single submitter. Criteria: Invitae Variant Classification Sherloc (09022015). Collection method: clinical testing. Allele origin: germline.
Comment: This sequence change replaces isoleucine, which is neutral and non-polar, with methionine, which is neutral and non-polar, at codon 20 of the GATM protein (p.Ile20Met). This variant is present in population databases (no rsID available, gnomAD 0.002%). This variant has not been reported in the literature in individuals affected with GATM-related conditions. ClinVar contains an entry for this variant (Variation ID: 846044). An algorithm developed to predict the effect of missense changes on protein structure and function (PolyPhen-2) suggests that this variant¬†is likely to be tolerated. In summary, the available evidence is currently insufficient to determine the role of this variant in disease. Therefore, it has been classified as a Variant of Uncertain Significance.

GeneDx
Classification: Uncertain significance. Last evaluated: 2019-07-12. Review status: criteria provided, single submitter. Criteria: GeneDx Variant Classification Process June 2021. Collection method: clinical testing. Allele origin: germline. Affected: yes.
Comment: Not observed at a significant frequency in large population cohorts (Lek et al., 2016); In silico analysis, which includes protein predictors and evolutionary conservation, supports that this variant does not alter protein structure/function; Has not been previously published as pathogenic or benign to our knowledge

NM_001482.3(GATM):c.60C>G (p.Ile20Met)

Genes: GATM (glycine amidinotransferase; minus strand), LOC130056991 (ATAC-STARR-seq lymphoblastoid silent region 6406; plus strand). Cytogenetic location: 15q21.1.
Variant type: single nucleotide variant.
Coding change: c.60C>G on transcript NM_001482.3 (MANE Select); coding-DNA position 60, C replaced by G.
Protein change: p.Ile20Met; replaces isoleucine 20 with methionine.
Molecular consequence: missense variant. On other transcripts: intron variant (1).
Genome position (GRCh38, 1-based): chr15:45,378,394, G>C on the plus strand (C>G on the coding strand, the complement: GATM is on the minus strand). VCF-style: chr15-45378394-G-C. GRCh37 (hg19) VCF-style: chr15-45670592-G-C.
Other names: c.-318-1575C>G (NM_001321015.2); short protein forms I20M.
Identifiers: ClinVar variation 846044 (VCV000846044.11), dbSNP rs1000621646, ClinGen allele CA270174346.